The following is an entry in ClinVar:

NM_000392.5(ABCC2):c.1304C>T (p.Thr435Ile)

Gene: ABCC2 (ATP binding cassette subfamily C member 2; plus strand). Cytogenetic location: 10q24.2.
Variant type: single nucleotide variant.
Coding change: c.1304C>T on transcript NM_000392.5 (MANE Select); coding-DNA position 1304, C replaced by T.
Protein change: p.Thr435Ile; replaces threonine 435 with isoleucine.
Molecular consequence: missense variant.
Genome position (GRCh38, 1-based): chr10:99,804,113, C>T. VCF-style: chr10-99804113-C-T. GRCh37 (hg19) VCF-style: chr10-101563870-C-T.
Other names: short protein forms T435I.
Identifiers: ClinVar variation 5001796 (VCV005001796.1).

ClinVar aggregate classification (germline): Uncertain significance (1 of 4 stars; one submission).

Conditions:
ABCC2-related disorder. Also called: ABCC2-related condition.

Submission:

PreventionGenetics, part of Exact Sciences
Classification: Uncertain significance for ABCC2-related condition. Last evaluated: 2025-06-25. Review status: criteria provided, single submitter. Criteria: ACMG Guidelines, 2015. Collection method: clinical testing. Allele origin: germline.
Comment: The ABCC2 c.1304C>T variant is predicted to result in the amino acid substitution p.Thr435Ile. To our knowledge, this variant has not been reported in the literature or in a large population database (gnomAD), indicating this variant is rare. At this time, the clinical significance of this variant is uncertain due to the absence of conclusive functional and genetic evidence.